The following is an entry in ClinVar:

NM_006390.4(IPO8):c.82C>T (p.Gln28Ter)

Gene: IPO8 (importin 8; minus strand). Cytogenetic location: 12p11.21.
Variant type: single nucleotide variant.
Coding change: c.82C>T on transcript NM_006390.4 (MANE Select); coding-DNA position 82, C replaced by T.
Protein change: p.Gln28Ter; replaces glutamine 28 with a stop codon.
Molecular consequence: nonsense.
Genome position (GRCh38, 1-based): chr12:30,695,566, G>A on the plus strand (C>T on the coding strand, the complement: IPO8 is on the minus strand). VCF-style: chr12-30695566-G-A. GRCh37 (hg19) VCF-style: chr12-30848500-G-A.
Other names: short protein forms Q28*.
Identifiers: ClinVar variation 1064722 (VCV001064722.2), dbSNP rs2053331144, ClinGen allele CA384232012.

ClinVar aggregate classification (germline): Pathogenic. Review status: criteria provided, single submitter (1 of 4 stars). 2 submissions from 2 submitters: Pathogenic (1). 1 of the submissions does not count toward it. Last evaluated 2022-03-09.

Conditions:
VISS syndrome. Also called: VASCULAR ANEURYSM, IMMUNE DYSREGULATION, SKELETAL ANOMALIES, AND SKIN AND JOINT LAXITY. Identifiers: MedGen C5561955, MONDO:0859177, OMIM 619472.
IPO8 related Connective tissue disorder.

Allele frequency attached by ClinVar (database versions not stated): gnomAD exomes below 0.00001.
gnomAD v4.1: 1 of 1,613,886 alleles (0.000062%); highest among the groups gnomAD compares: Non-Finnish European, 0.000085%; no homozygotes.

Submissions (2):

SIB Swiss Institute of Bioinformatics
Classification: Pathogenic for VISS syndrome. Last evaluated: 2022-03-09. Review status: criteria provided, single submitter. Criteria: ACMG Guidelines, 2015. Collection method: curation. Allele origin: unknown.
Comment: This variant is interpreted as pathogenic for VISS syndrome, autosomal recessive. The following ACMG Tag(s) were applied: Absent from controls (or at extremely low frequency if recessive) in Exome Sequencing Project, 1000 Genomes Project, or Exome Aggregation Consortium (PM2); Cosegregation with disease in multiple affected family members in a gene definitively known to cause the disease (PP1); Predicted nullvariant in a gene where LOF is a known mechanism of disease (PVS1 downgraded to strong); Well-established functional studies show a deleterious effect (PS3).

Biochemistry and Genetics Laboratory, University Hospital of Angers
Classification: Pathogenic for IPO8 related Connective tissue disorder. Last evaluated: 2021-04-22. Review status: no assertion criteria provided. Collection method: research. Allele origin: inherited. Affected: yes. Not counted in ClinVar's aggregate classification.

Literature cited by the submitters: PubMed 34010604 (cited by SIB Swiss Institute of Bioinformatics).